The following is an entry in ClinVar:

NM_014000.3(VCL):c.1387G>A (p.Ala463Thr)

Gene: VCL (vinculin; plus strand). Cytogenetic location: 10q22.2.
Variant type: single nucleotide variant.
Coding change: c.1387G>A on transcript NM_014000.3 (MANE Select); coding-DNA position 1387, G replaced by A.
Protein change: p.Ala463Thr; replaces alanine 463 with threonine.
Molecular consequence: missense variant.
Genome position (GRCh38, 1-based): chr10:74,094,305, G>A. VCF-style: chr10-74094305-G-A. GRCh37 (hg19) VCF-style: chr10-75854063-G-A.
Other names: c.1387G>A, p.Ala463Thr (NM_003373.4); short protein forms A463T.
Identifiers: ClinVar variation 2030396 (VCV002030396.3), dbSNP rs1274689544, ClinGen allele CA377273706.

ClinVar aggregate classification (germline): Uncertain significance. Review status: criteria provided, multiple submitters, no conflicts (2 of 4 stars). 2 submissions from 2 submitters: Uncertain significance (2). Last evaluated 2025-10-27.

Conditions:
Cardiovascular phenotype. Identifiers: MedGen CN230736.
Dilated cardiomyopathy 1W (CMD1W). Identifiers: Orphanet 154, MedGen C1969639, MONDO:0012667, OMIM 611407.

Allele frequency attached by ClinVar (database versions not stated): gnomAD 0.00001; gnomAD exomes 0.00001; TOPMed 0.00001.
gnomAD v4.1: 6 of 1,614,024 alleles (0.00037%); highest among the groups gnomAD compares: Admixed American, 0.01%; no homozygotes.

Submissions (2):

Ambry Genetics
Classification: Uncertain significance for Cardiovascular phenotype. Last evaluated: 2025-10-27. Review status: criteria provided, single submitter. Criteria: Ambry Variant Classification Scheme 2023. Collection method: clinical testing. Allele origin: germline.
Comment: The p.A463T variant (also known as c.1387G>A), located in coding exon 11 of the VCL gene, results from a G to A substitution at nucleotide position 1387. The alanine at codon 463 is replaced by threonine, an amino acid with similar properties. This amino acid position is conserved. In addition, the in silico prediction for this alteration is inconclusive. Based on the available evidence, the clinical significance of this variant remains unclear.

Labcorp Genetics (formerly Invitae), Labcorp
Classification: Uncertain significance for Dilated cardiomyopathy 1W. Last evaluated: 2024-01-15. Review status: criteria provided, single submitter. Criteria: Invitae Variant Classification Sherloc (09022015). Collection method: clinical testing. Allele origin: germline.
Comment: This sequence change replaces alanine, which is neutral and non-polar, with threonine, which is neutral and polar, at codon 463 of the VCL protein (p.Ala463Thr). This variant is present in population databases (no rsID available, gnomAD 0.01%). This variant has not been reported in the literature in individuals affected with VCL-related conditions. ClinVar contains an entry for this variant (Variation ID: 2030396). An algorithm developed to predict the effect of missense changes on protein structure and function (PolyPhen-2) suggests that this variant is likely to be disruptive. In summary, the available evidence is currently insufficient to determine the role of this variant in disease. Therefore, it has been classified as a Variant of Uncertain Significance.